The following is an entry in ClinVar:

ClinVar aggregate classification (germline): Uncertain significance. Review status: criteria provided, multiple submitters, no conflicts (2 of 4 stars). 2 submissions from 2 submitters: Uncertain significance (2). Last evaluated 2022-12-15.

Conditions:
Inborn genetic diseases. Identifiers: MedGen C0950123, MeSH D030342.

Allele frequency attached by ClinVar (database versions not stated): gnomAD 0.00004 and 0.00005; TOPMed 0.00004; gnomAD exomes 0.00008 and 0.00019.
gnomAD v4.1: 276 of 1,564,510 alleles (0.018%); highest among the groups gnomAD compares: Non-Finnish European, 0.023%; no homozygotes.

Submissions (2):

Ambry Genetics
Classification: Uncertain significance for Inborn genetic diseases. Last evaluated: 2022-12-15. Review status: criteria provided, single submitter. Criteria: Ambry Variant Classification Scheme 2023. Collection method: clinical testing. Allele origin: germline.

Labcorp Genetics (formerly Invitae), Labcorp
Classification: Uncertain significance. Last evaluated: 2022-06-18. Review status: criteria provided, single submitter. Criteria: Invitae Variant Classification Sherloc (09022015). Collection method: clinical testing. Allele origin: germline.
Comment: This sequence change replaces glycine, which is neutral and non-polar, with tryptophan, which is neutral and slightly polar, at codon 27 of the OSTM1 protein (p.Gly27Trp). This variant is present in population databases (no rsID available, gnomAD 0.02%). This variant has not been reported in the literature in individuals affected with OSTM1-related conditions. Algorithms developed to predict the effect of missense changes on protein structure and function (SIFT, PolyPhen-2, Align-GVGD) all suggest that this variant is likely to be tolerated. In summary, the available evidence is currently insufficient to determine the role of this variant in disease. Therefore, it has been classified as a Variant of Uncertain Significance.

NM_014028.4(OSTM1):c.79G>T (p.Gly27Trp)

Genes: OSTM1 (osteoclastogenesis associated transmembrane protein 1; minus strand), LOC129996933 (ATAC-STARR-seq lymphoblastoid silent region 17446; plus strand). Cytogenetic location: 6q21.
Variant type: single nucleotide variant.
Coding change: c.79G>T on transcript NM_014028.4 (MANE Select); coding-DNA position 79, G replaced by T.
Protein change: p.Gly27Trp; replaces glycine 27 with tryptophan.
Molecular consequence: missense variant.
Genome position (GRCh38, 1-based): chr6:108,074,573, C>A on the plus strand (G>T on the coding strand, the complement: OSTM1 is on the minus strand). VCF-style: chr6-108074573-C-A. GRCh37 (hg19) VCF-style: chr6-108395777-C-A.
Other names: c.79G>T (NM_014028.3); short protein forms G27W.
Identifiers: ClinVar variation 1490106 (VCV001490106.4), dbSNP rs950802193, ClinGen allele CA145661199.